The following is an entry in ClinVar:

NM_001278512.2(AP3B2):c.2539G>T (p.Val847Leu)

Genes: AP3B2 (adaptor related protein complex 3 subunit beta 2; minus strand), CPEB1-AS1 (CPEB1 antisense RNA 1; plus strand), LOC113939947 (Sharpr-MPRA regulatory region 5793; plus strand). Cytogenetic location: 15q25.2.
Variant type: single nucleotide variant.
Coding change: c.2539G>T on transcript NM_001278512.2 (MANE Select); coding-DNA position 2539, G replaced by T.
Protein change: p.Val847Leu; replaces valine 847 with leucine.
Molecular consequence: missense variant.
Genome position (GRCh38, 1-based): chr15:82,663,192, C>A on the plus strand (G>T on the coding strand, the complement: AP3B2 is on the minus strand). VCF-style: chr15-82663192-C-A. GRCh37 (hg19) VCF-style: chr15-83331944-C-A.
Other names: c.2386G>T, p.Val796Leu (NM_001278511.2); c.2482G>T, p.Val828Leu (NM_004644.5); short protein forms V828L, V796L, V847L.
Identifiers: ClinVar variation 1499405 (VCV001499405.8), dbSNP rs777762220, ClinGen allele CA393309699.

ClinVar aggregate classification (germline): Uncertain significance (1 of 4 stars; one submission).

gnomAD v4.1: 7 of 1,613,104 alleles (0.00043%); highest among the groups gnomAD compares: South Asian, 0.0011%; no homozygotes.

Submission:

Labcorp Genetics (formerly Invitae), Labcorp
Classification: Uncertain significance. Last evaluated: 2022-10-27. Review status: criteria provided, single submitter. Criteria: Invitae Variant Classification Sherloc (09022015). Collection method: clinical testing. Allele origin: germline.
Comment: In summary, the available evidence is currently insufficient to determine the role of this variant in disease. Therefore, it has been classified as a Variant of Uncertain Significance. Algorithms developed to predict the effect of missense changes on protein structure and function (SIFT, PolyPhen-2, Align-GVGD) all suggest that this variant is likely to be tolerated. ClinVar contains an entry for this variant (Variation ID: 1499405). This variant has not been reported in the literature in individuals affected with AP3B2-related conditions. This variant is not present in population databases (gnomAD no frequency). This sequence change replaces valine, which is neutral and non-polar, with leucine, which is neutral and non-polar, at codon 828 of the AP3B2 protein (p.Val828Leu).